The following is an entry in ClinVar:

ClinVar aggregate classification (germline): Uncertain significance (1 of 4 stars; one submission).

Conditions:
Severe combined immunodeficiency, autosomal recessive, T cell-negative, B cell-negative, NK cell-negative, due to adenosine deaminase deficiency. Also called: SCID DUE TO ADA DEFICIENCY; SCID DUE TO ADA DEFICIENCY, EARLY-ONSET; ADA deficiency; Adenosine deaminase deficient severe combined immunodeficiency; Severe combined immunodeficiency due to ADA deficiency; ADA-SCID. Identifiers: Orphanet 277, MedGen C0392607, MONDO:0007064, OMIM 102700.

Allele frequency attached by ClinVar (database versions not stated): gnomAD 0.00001; TOPMed 0.00002; ESP Exome Variant Server 0.00008.
gnomAD v4.1: 21 of 1,614,096 alleles (0.0013%); highest among the groups gnomAD compares: Non-Finnish European, 0.0018%; no homozygotes.

Submission:

Labcorp Genetics (formerly Invitae), Labcorp
Classification: Uncertain significance for Severe combined immunodeficiency, autosomal recessive, T cell-negative, B cell-negative, NK cell-negative, due to adenosine deaminase deficiency. Last evaluated: 2024-08-13. Review status: criteria provided, single submitter. Criteria: Invitae Variant Classification Sherloc (09022015). Collection method: clinical testing. Allele origin: germline.
Comment: This sequence change replaces glycine, which is neutral and non-polar, with arginine, which is basic and polar, at codon 35 of the ADA protein (p.Gly35Arg). This variant is present in population databases (rs376909062, gnomAD 0.002%). This variant has not been reported in the literature in individuals affected with ADA-related conditions. ClinVar contains an entry for this variant (Variation ID: 1986473). Advanced modeling of protein sequence and biophysical properties (such as structural, functional, and spatial information, amino acid conservation, physicochemical variation, residue mobility, and thermodynamic stability) performed at Invitae indicates that this missense variant is not expected to disrupt ADA protein function with a negative predictive value of 80%. In summary, the available evidence is currently insufficient to determine the role of this variant in disease. Therefore, it has been classified as a Variant of Uncertain Significance.

NM_000022.4(ADA):c.103G>C (p.Gly35Arg)

Genes: ADA (adenosine deaminase; minus strand), LOC107303343 (adenosine deaminase intronic regulatory elements; plus strand). Cytogenetic location: 20q13.12.
Variant type: single nucleotide variant.
Coding change: c.103G>C on transcript NM_000022.4 (MANE Select); coding-DNA position 103, G replaced by C.
Protein change: p.Gly35Arg; replaces glycine 35 with arginine.
Molecular consequence: missense variant. On other transcripts: 5 prime UTR variant (1), non-coding transcript variant (1).
Genome position (GRCh38, 1-based): chr20:44,629,162, C>G on the plus strand (G>C on the coding strand, the complement: ADA is on the minus strand). VCF-style: chr20-44629162-C-G. GRCh37 (hg19) VCF-style: chr20-43257803-C-G.
Other names: c.-187G>C (NM_001322050.2); c.103G>C, p.Gly35Arg (NM_001322051.2); short protein forms G35R.
Identifiers: ClinVar variation 1986473 (VCV001986473.3), dbSNP rs376909062, ClinGen allele CA315443611.
Genomic context (GRCh38, chr20:44,629,162, plus strand): 5'-GCTTGTCCATGCCAATGACGTTCAGCAGCCCCTCTGCTGTGTTAGCTGGGAGGGCGATCC[C>G]TCTCCTCCTGGAAACAAAACAGTGAGTGGTGGACCAACCCGGGGCAGGATCCAGGCAGGC-3'
Protein context (NP_000013.2, residues 25-45): ETILYYGRRR[Gly35Arg]IALPANTAEG